The following is an entry in ClinVar:

NM_001379500.1(COL18A1):c.1791TGGGCCCCC[3] (p.594PGP[5])

Gene: COL18A1 (collagen type XVIII alpha 1 chain; plus strand). Cytogenetic location: 21q22.3.
Variant type: Microsatellite.
Coding change: c.1791TGGGCCCCC[3] on transcript NM_001379500.1 (MANE Select); three copies in a row of the 9-base unit TGGGCCCCC starting at c.1791; the reference has two copies in a row; one copy, 9 bases duplicated.
Protein change: p.594PGP[5].
Molecular consequence: inframe insertion.
Genome position (GRCh38, 1-based): chr21:45,486,959-45,486,967, TGGGCCCCC duplicated; duplicating any 9 consecutive bases within chr21:45,486,945-45,486,967 gives the same sequence; the position shown is the placement nearest the transcript's 3' end. VCF-style (leftmost placement, unchanged base first): chr21-45486944-C-CCCCCCTGGG. GRCh37 (hg19) VCF-style: chr21-46906858-C-CCCCCCTGGG.
Other names: c.2331TGGGCCCCC[3], p.774PGP[5] (NM_030582.4); c.3036TGGGCCCCC[3], p.1009PGP[5] (NM_130444.3).
Identifiers: ClinVar variation 1422869 (VCV001422869.3), dbSNP rs764710670, ClinGen allele CA10066537.

ClinVar aggregate classification (germline): Uncertain significance (1 of 4 stars; one submission).

Submission:

Labcorp Genetics (formerly Invitae), Labcorp
Classification: Uncertain significance. Last evaluated: 2022-09-27. Review status: criteria provided, single submitter. Criteria: Invitae Variant Classification Sherloc (09022015). Collection method: clinical testing. Allele origin: germline.
Comment: This variant, c.1800_1808dup, results in the insertion of 3 amino acid(s) of the COL18A1 protein (p.Pro603_Pro605dup), but otherwise preserves the integrity of the reading frame. This variant is present in population databases (rs776078381, gnomAD 0.01%). This variant has not been reported in the literature in individuals affected with COL18A1-related conditions. Experimental studies and prediction algorithms are not available or were not evaluated, and the functional significance of this variant is currently unknown. In summary, the available evidence is currently insufficient to determine the role of this variant in disease. Therefore, it has been classified as a Variant of Uncertain Significance.